The following is an entry in ClinVar:

ClinVar aggregate classification (germline): Uncertain significance (1 of 4 stars; one submission).

Conditions:
Neuroblastoma, susceptibility to, 3. Also called: ALK-Related Neuroblastic Tumor Susceptibility. Identifiers: Orphanet 635, MedGen C2751681, MONDO:0013083, OMIM 613014.

Submission:

Labcorp Genetics (formerly Invitae), Labcorp
Classification: Uncertain significance for Neuroblastoma, susceptibility to, 3. Last evaluated: 2023-10-24. Review status: criteria provided, single submitter. Criteria: Invitae Variant Classification Sherloc (09022015). Collection method: clinical testing. Allele origin: germline.
Comment: This sequence change replaces methionine, which is neutral and non-polar, with threonine, which is neutral and polar, at codon 1296 of the ALK protein (p.Met1296Thr). This variant is not present in population databases (gnomAD no frequency). This variant has not been reported in the literature in individuals affected with ALK-related conditions. An algorithm developed to predict the effect of missense changes on protein structure and function (PolyPhen-2) suggests that this variant is likely to be disruptive. In summary, the available evidence is currently insufficient to determine the role of this variant in disease. Therefore, it has been classified as a Variant of Uncertain Significance.

NM_004304.5(ALK):c.3887T>C (p.Met1296Thr)

Gene: ALK (ALK receptor tyrosine kinase; minus strand). Cytogenetic location: 2p23.2.
Variant type: single nucleotide variant.
Coding change: c.3887T>C on transcript NM_004304.5 (MANE Select); coding-DNA position 3887, T replaced by C.
Protein change: p.Met1296Thr; replaces methionine 1296 with threonine.
Molecular consequence: missense variant.
Genome position (GRCh38, 1-based): chr2:29,207,222, A>G on the plus strand (T>C on the coding strand, the complement: ALK is on the minus strand). VCF-style: chr2-29207222-A-G. GRCh37 (hg19) VCF-style: chr2-29430088-A-G.
Other names: c.683T>C, p.Met228Thr (NM_001353765.2); short protein forms M228T, M1296T.
Identifiers: ClinVar variation 2916576 (VCV002916576.3), dbSNP rs2148152080, ClinGen allele CA346468793.